The following is an entry in ClinVar:

NM_000287.4(PEX6):c.1409G>C (p.Gly470Ala)

Gene: PEX6 (peroxisomal biogenesis factor 6; minus strand). Cytogenetic location: 6p21.1.
Variant type: single nucleotide variant.
Coding change: c.1409G>C on transcript NM_000287.4 (MANE Select); coding-DNA position 1409, G replaced by C.
Protein change: p.Gly470Ala; replaces glycine 470 with alanine.
Molecular consequence: missense variant. On other transcripts: non-coding transcript variant (1).
Genome position (GRCh38, 1-based): chr6:42,968,944, C>G on the plus strand (G>C on the coding strand, the complement: PEX6 is on the minus strand). VCF-style: chr6-42968944-C-G. GRCh37 (hg19) VCF-style: chr6-42936682-C-G.
Other names: c.1145G>C, p.Gly382Ala (NM_001316313.2); short protein forms G470A, G382A.
Identifiers: ClinVar variation 573090 (VCV000573090.20), dbSNP rs1561823098, ClinGen allele CA364155368.

ClinVar aggregate classification (germline): Pathogenic/Likely pathogenic. Review status: criteria provided, multiple submitters, no conflicts (2 of 4 stars). 6 submissions from 5 submitters: Pathogenic (4); Likely pathogenic (2). Last evaluated 2026-01-25.

Conditions:
Peroxisome biogenesis disorder 4A (Zellweger) (PBD4A). Also called: Zellweger syndrome spectrum (PEX6-related). Identifiers: Orphanet 912, MedGen C3553936, MONDO:0013930, OMIM 614862. Disease mechanism: loss of function.
Peroxisome biogenesis disorder 4B (PBD4B). Also called: SPINOCEREBELLAR ATAXIA WITH BLINDNESS AND DEAFNESS 1. Identifiers: Orphanet 44, Orphanet 95433, MedGen C3553937, MONDO:0013931, OMIM 614863.
Peroxisome biogenesis disorder. Identifiers: Orphanet 79189, MedGen C1832200, MONDO:0019234. Disease mechanism: loss of function.
Heimler syndrome 2 (HMLR2). Also called: PEROXISOME BIOGENESIS DISORDER 4C. Identifiers: Orphanet 3220, MedGen C4225267, OMIM 616617, MONDO:0014709.

Submissions (6):

GeneDx
Classification: Pathogenic. Last evaluated: 2026-01-25. Review status: criteria provided, single submitter. Criteria: GeneDx Variant Classification Process June 2021. Collection method: clinical testing. Allele origin: germline.
Comment: Not observed at significant frequency in large population cohorts (gnomAD); In silico analysis supports that this missense variant has a deleterious effect on protein structure/function; This variant is associated with the following publications: (PMID: 37842507, 31374812, 37144748, 40205409, Woods2025 [abstractPoster], 38168469)

Labcorp Genetics (formerly Invitae), Labcorp
Classification: Pathogenic for Peroxisome biogenesis disorder. Last evaluated: 2024-03-16. Review status: criteria provided, single submitter. Criteria: Invitae Variant Classification Sherloc (09022015). Collection method: clinical testing. Allele origin: germline.
Comment: This sequence change replaces glycine, which is neutral and non-polar, with alanine, which is neutral and non-polar, at codon 470 of the PEX6 protein (p.Gly470Ala). This variant is not present in population databases (gnomAD no frequency). This missense change has been observed in individual(s) with Zellweger spectrum disorder (Invitae). ClinVar contains an entry for this variant (Variation ID: 573090). Advanced modeling of protein sequence and biophysical properties (such as structural, functional, and spatial information, amino acid conservation, physicochemical variation, residue mobility, and thermodynamic stability) has been performed at Invitae for this missense variant, however the output from this modeling did not meet the statistical confidence thresholds required to predict the impact of this variant on PEX6 protein function. For these reasons, this variant has been classified as Pathogenic.

Fulgent Genetics
Classification: Pathogenic for Peroxisome biogenesis disorder 4A (Zellweger); Peroxisome biogenesis disorder 4B; Heimler syndrome 2. Last evaluated: 2024-02-23. Review status: criteria provided, single submitter. Criteria: ACMG Guidelines, 2015. Collection method: clinical testing. Allele origin: germline.

Women's Health and Genetics/Laboratory Corporation of America, LabCorp
Classification: Pathogenic for Peroxisome biogenesis disorder. Last evaluated: 2023-08-16. Review status: criteria provided, single submitter. Criteria: LabCorp Variant Classification Summary - May 2015. Collection method: clinical testing. Allele origin: germline.
Comment: Variant summary: PEX6 c.1409G>C (p.Gly470Ala) results in a non-conservative amino acid change located in the AAA+ ATPase domain (IPR003593) of the encoded protein sequence. Five of five in-silico tools predict a damaging effect of the variant on protein function. The variant was absent in 251216 control chromosomes (gnomAD). c.1409G>C has been reported in the literature in multiple individuals affected with Zellweger Syndrome (e.g., Schieferdecker_2019, Galarreta_2023), and the variant has been shown to segregate with disease in related individuals. These data indicate that the variant is very likely to be associated with disease. To our knowledge, no experimental evidence demonstrating an impact on protein function has been reported. The following publications have been ascertained in the context of this evaluation (PMID: 31374812, 37144748). One submitter has reported clinical-significance assessments for this variant to ClinVar after 2014 and has classified the variant as pathogenic. Based on the evidence outlined above, the variant was classified as pathogenic.

Neuberg Centre For Genomic Medicine, NCGM
Classification: Likely pathogenic for Peroxisome biogenesis disorder 4A (Zellweger). Last evaluated: 2023-05-20. Review status: criteria provided, single submitter. Criteria: ACMG Guidelines, 2015. Collection method: clinical testing. Allele origin: germline. Inheritance: Autosomal recessive inheritance. Affected: yes.
Comment: The observed missense c.1409G>C(p.Gly470Ala) variant in PEX6 gene has been reported previously in homozygous state in patient(s) affected with Zellweger spectrum disorder (Galarreta CI, et. al., 2022). The p.Gly470Ala variant is absent in gnomAD Exomes database. Multiple lines of computational evidence (Polyphen - probably damaging , SIFT - damaging and MutationTaster - disease causing) predict a damaging effect on protein structure and function for this variant. This variant has been reported to the ClinVar database as Uncertain Significance/ Pathogenic. The amino acid change p.Gly470Ala in PEX6 is predicted as conserved by GERP++ and PhyloP across 100 vertebrates. The amino acid Gly at position 470 is changed to a Ala changing protein sequence and it might alter its composition and physico-chemical properties. Functional studies are required to prove pathogenicity of the variant. For these reasons, this variant has been classified as Likely pathogenic.

Neuberg Centre For Genomic Medicine, NCGM
Classification: Likely pathogenic for Peroxisome biogenesis disorder 4B. Last evaluated: 2023-05-20. Review status: criteria provided, single submitter. Criteria: ACMG Guidelines, 2015. Collection method: clinical testing. Allele origin: germline. Inheritance: Autosomal recessive inheritance. Affected: yes.
Comment: The observed missense c.1409G>C(p.Gly470Ala) variant in PEX6 gene has been reported previously in homozygous state in patient(s) affected with Zellweger spectrum disorder (Galarreta CI, et. al., 2022). The p.Gly470Ala variant is absent in gnomAD Exomes database. This variant has been submitted to the ClinVar database as Uncertain Significance/ Pathogenic. Multiple lines of computational evidence (Polyphen - probably damaging, SIFT - damaging; MutationTaster - disease causing) predict a damaging effect on protein structure and function for this variant. The amino acid change p.Gly470Ala in PEX6 is predicted as conserved by GERP++ and PhyloP across 100 vertebrates. The amino acid Gly at position 470 is changed to a Ala changing protein sequence and it might alter its composition and physico-chemical properties. Functional studies are required to prove pathogenicity of the variant. For these reasons, this variant has been classified as Likely pathogenic.

Literature cited by the submitters: PubMed 31374812 (cited by Women's Health and Genetics/Laboratory Corporation of America, LabCorp); PubMed 37144748 (cited by Women's Health and Genetics/Laboratory Corporation of America, LabCorp).